The following is an entry in ClinVar:

ClinVar aggregate classification (germline): Likely pathogenic (1 of 4 stars; one submission).

Conditions:
Glaucoma 3A. Also called: Glaucoma 3, primary congenital, A. Identifiers: Orphanet 98976, Orphanet 98977, MedGen C1856439, MONDO:0009277, OMIM 231300.

Submission:

Institute of Basic Medical Sciences, Khyber Medical University, Peshawar
Classification: Likely pathogenic for Glaucoma 3A. Last evaluated: 2025-06-20. Review status: criteria provided, single submitter. Criteria: ACMG Guidelines, 2015. Collection method: clinical testing. Allele origin: germline. Inheritance: Autosomal recessive inheritance. Affected: yes.
Comment: The c.4129delG variant in the LTBP2 gene was identified as homozygous in the two affected siblings (diagnosed with Primary Congenital Glaucoma) and heterozygous in the unaffected parents and sibling, consistent with autosomal recessive inheritance. This variant segregated correctly among all family members (including parents, unaffected, and affected individuals), and pathogenicity prediction tools (MutationTaster and PolyPhen) suggest that it results in an unstable protein structure, supporting its classification as likely pathogenic according to ACMG guidelines (2015).

Literature cited by the submitters: PubMed 10655546.

NM_000428.3(LTBP2):c.4129del (p.Glu1377fs)

Gene: LTBP2 (latent transforming growth factor beta binding protein 2; minus strand). Cytogenetic location: 14q24.3.
Variant type: Deletion.
Coding change: c.4129del on transcript NM_000428.3 (MANE Select); coding-DNA position 4129, one base deleted (G; older notation c.4129delG).
Protein change: p.Glu1377fs; shifts the reading frame from glutamic acid 1377.
Molecular consequence: frameshift variant.
Genome position (GRCh38, 1-based): chr14:74,506,096, C deleted on the plus strand (G on the coding strand, the reverse complement: LTBP2 is on the minus strand); the first of 2 consecutive C bases (chr14:74,506,096-74,506,097); deleting either gives the same sequence. VCF-style (leftmost placement, unchanged base first): chr14-74506095-TC-T. GRCh37 (hg19) VCF-style: chr14-74972798-TC-T.
Other names: c.4129delG (NM_000428.3); short protein forms E1377fs.
Identifiers: ClinVar variation 4070519 (VCV004070519.1).